The following is an entry in ClinVar:

NM_003632.3(CNTNAP1):c.3066G>T (p.Arg1022Ser)

Gene: CNTNAP1 (contactin associated protein 1; plus strand). Cytogenetic location: 17q21.2.
Variant type: single nucleotide variant.
Coding change: c.3066G>T on transcript NM_003632.3 (MANE Select); coding-DNA position 3066, G replaced by T.
Protein change: p.Arg1022Ser; replaces arginine 1022 with serine.
Molecular consequence: missense variant.
Genome position (GRCh38, 1-based): chr17:42,695,594, G>T. VCF-style: chr17-42695594-G-T. GRCh37 (hg19) VCF-style: chr17-40847612-G-T.
Other names: short protein forms R1022S.
Identifiers: ClinVar variation 3600595 (VCV003600595.2).

ClinVar aggregate classification (germline): Uncertain significance. Review status: criteria provided, multiple submitters, no conflicts (2 of 4 stars). 2 submissions from 2 submitters: Uncertain significance (2). Last evaluated 2025-09-10.

Conditions:
Inborn genetic diseases. Identifiers: MedGen C0950123, MeSH D030342.

gnomAD v4.1: 76 of 1,614,038 alleles (0.0047%); highest among the groups gnomAD compares: Non-Finnish European, 0.0063%; no homozygotes.

Submissions (2):

Ambry Genetics
Classification: Uncertain significance for Inborn genetic diseases. Last evaluated: 2025-09-10. Review status: criteria provided, single submitter. Criteria: Ambry Variant Classification Scheme 2023. Collection method: clinical testing. Allele origin: germline.

GeneDx
Classification: Uncertain significance. Last evaluated: 2024-07-26. Review status: criteria provided, single submitter. Criteria: GeneDx Variant Classification Process June 2021. Collection method: clinical testing. Allele origin: germline. Affected: yes.
Comment: Not observed at significant frequency in large population cohorts (gnomAD); In silico analysis indicates that this missense variant does not alter protein structure/function; Has not been previously published as pathogenic or benign to our knowledge